The following is an entry in ClinVar:

ClinVar aggregate classification (germline): Pathogenic/Likely pathogenic. Review status: criteria provided, multiple submitters, no conflicts (2 of 4 stars). 4 submissions from 4 submitters: Pathogenic (3); Likely pathogenic (1). Last evaluated 2026-09-08.

Conditions:
GLA-related disorder. Also called: GLA-related condition.
Fabry disease. Also called: Fabry's disease; Angiokeratoma corporis diffusum; ALPHA-GALACTOSIDASE A DEFICIENCY; ANDERSON-FABRY DISEASE; CERAMIDE TRIHEXOSIDASE DEFICIENCY; Ceramide trihexosidosis. Identifiers: Orphanet 324, MedGen C0002986, MONDO:0010526, OMIM 301500, HP:0001071. Disease mechanism: loss of function, Fabry disease is due to inactivating mutations in the X-linked GLA gene resulting in deficiency of the enzyme Alpha Galactosidase-A..

Submissions (4):

Genomenon, Inc
Classification: Pathogenic for Fabry disease. Last evaluated: 2026-09-08. Review status: criteria provided, single submitter. Criteria: Genomenon Sequence Variant Interpretation Standards - Updated. Collection method: curation. Allele origin: germline. Affected: yes.
Comment: GLA p.Glu7Ter (c.19G>T) is a nonsense variant that introduces a premature stop codon at amino acid position 7 and is predicted to result in a truncated or absent protein product. This variant has been observed in at least one proband with clinical features consistent with Fabry disease (PMID:28736719;36140787). The variant was found to segregate with disease in at least one affected family (PMID:36140787). It is absent or not present at a significant frequency in gnomAD. In conclusion, we classify GLA p.Glu7Ter (c.19G>T) as a pathogenic variant.

Fulgent Genetics
Classification: Pathogenic for Fabry disease. Last evaluated: 2022-02-20. Review status: criteria provided, single submitter. Criteria: ACMG Guidelines, 2015. Collection method: clinical testing. Allele origin: unknown.

Blueprint Genetics
Classification: Likely pathogenic for GLA-related disorders. Last evaluated: 2020-04-01. Review status: criteria provided, single submitter. Criteria: ACMG Guidelines, 2015. Collection method: clinical testing. Allele origin: germline. Affected: yes. Observed: 1 variant allele.

Eurofins Ntd Llc (ga)
Classification: Pathogenic. Last evaluated: 2013-08-21. Review status: criteria provided, single submitter. Criteria: EGL Classification Definitions 2015. Collection method: clinical testing. Allele origin: germline. Observed: 4 variant alleles, 3 heterozygotes, 1 hemizygote.

Literature cited by the submitters: PubMed 28736719 (cited by Genomenon, Inc); PubMed 36140787 (cited by Genomenon, Inc).

NM_000169.3(GLA):c.19G>T (p.Glu7Ter)

Genes: GLA (galactosidase alpha; minus strand), RPL36A-HNRNPH2 (RPL36A-HNRNPH2 readthrough; plus strand). Cytogenetic location: Xq22.1.
Variant type: single nucleotide variant.
Coding change: c.19G>T on transcript NM_000169.3 (MANE Select); coding-DNA position 19, G replaced by T.
Protein change: p.Glu7Ter; replaces glutamic acid 7 with a stop codon.
Molecular consequence: nonsense. On other transcripts: non-coding transcript variant (3), intron variant (2).
Genome position (GRCh38, 1-based): chrX:101,407,885, C>A on the plus strand (G>T on the coding strand, the complement: GLA is on the minus strand). VCF-style: chrX-101407885-C-A. GRCh37 (hg19) VCF-style: chrX-100662873-C-A.
Other names: NP_000160.1:p.Glu7*; c.19G>T, p.Glu7Ter (NM_001406747.1, NM_001406748.1, NM_001406749.1); c.301-4051C>A (NM_001199973.2); c.178-4051C>A (NM_001199974.2); short protein forms E7*.
Identifiers: ClinVar variation 92547 (VCV000092547.10), dbSNP rs398123207, ClinGen allele CA021598.